The following is an entry in ClinVar:

ClinVar aggregate classification (germline): Likely benign. Review status: criteria provided, multiple submitters, no conflicts (2 of 4 stars). 3 submissions from 3 submitters: Likely benign (2). 1 of the submissions does not count toward it. Last evaluated 2023-11-28.

Conditions:
SHPK-related disorder. Also called: SHPK-related condition.

Allele frequency attached by ClinVar (database versions not stated): gnomAD exomes 0.00001 and 0.00004; ExAC 0.00003; ESP Exome Variant Server 0.00008; gnomAD 0.00011; TOPMed 0.00011; 1000 Genomes Project 30x 0.00031; 1000 Genomes Project 0.00040.

Submissions (3):

Labcorp Genetics (formerly Invitae), Labcorp
Classification: Likely benign. Last evaluated: 2023-11-28. Review status: criteria provided, single submitter. Criteria: Invitae Variant Classification Sherloc (09022015). Collection method: clinical testing. Allele origin: germline.

Breakthrough Genomics
Classification: Likely benign. Review status: criteria provided, single submitter. Criteria: ACMG Guidelines, 2015. Collection method: not provided. Allele origin: germline. Inheritance: Autosomal recessive inheritance. Affected: yes.

PreventionGenetics, part of Exact Sciences
Classification: Likely benign for SHPK-related condition. Last evaluated: 2019-07-31. Review status: no assertion criteria provided. Collection method: clinical testing. Allele origin: germline. Not counted in ClinVar's aggregate classification.
Comment: This variant is classified as likely benign based on ACMG/AMP sequence variant interpretation guidelines (Richards et al. 2015 PMID: 25741868, with internal and published modifications).

NM_013276.4(SHPK):c.1122G>A (p.Gly374=)

Gene: SHPK (sedoheptulokinase; minus strand). Cytogenetic location: 17p13.2.
Variant type: single nucleotide variant.
Coding change: c.1122G>A on transcript NM_013276.4 (MANE Select); coding-DNA position 1122, G replaced by A.
Protein change: p.Gly374=; no amino-acid change (glycine 374 retained).
Molecular consequence: synonymous variant.
Genome position (GRCh38, 1-based): chr17:3,610,875, C>T on the plus strand (G>A on the coding strand, the complement: SHPK is on the minus strand). VCF-style: chr17-3610875-C-T. GRCh37 (hg19) VCF-style: chr17-3514169-C-T.
Identifiers: ClinVar variation 757037 (VCV000757037.9), dbSNP rs148679980, ClinGen allele CA8291101.